The following is an entry in ClinVar:

NM_004369.4(COL6A3):c.5678C>G (p.Thr1893Arg)

Gene: COL6A3 (collagen type VI alpha 3 chain; minus strand). Cytogenetic location: 2q37.3.
Variant type: single nucleotide variant.
Coding change: c.5678C>G on transcript NM_004369.4 (MANE Select); coding-DNA position 5678, C replaced by G.
Protein change: p.Thr1893Arg; replaces threonine 1893 with arginine.
Molecular consequence: missense variant.
Genome position (GRCh38, 1-based): chr2:237,365,858, G>C on the plus strand (C>G on the coding strand, the complement: COL6A3 is on the minus strand). VCF-style: chr2-237365858-G-C. GRCh37 (hg19) VCF-style: chr2-238274501-G-C.
Other names: c.3857C>G, p.Thr1286Arg (NM_057166.5); c.5060C>G, p.Thr1687Arg (NM_057167.4); short protein forms T1286R, T1687R, T1893R.
Identifiers: ClinVar variation 1310057 (VCV001310057.2), dbSNP rs143389941, ClinGen allele CA351185942.
Genomic context (GRCh38, chr2:237,365,858, plus strand): 5'-TTCTCGAGCATCTCTGGCTGGTACTCGTCAAAGTCAAAGGCCTCCACCGGGCCCGAGGGC[G>C]TGTTGGCCACCACTGACACACGCACGGTGGGCGAGCGGCCACCGCTGCAGCTGACCCTGT-3'
Protein context (NP_004360.2, residues 1883-1903): PTVRVSVVAN[Thr1893Arg]PSGPVEAFDF

ClinVar aggregate classification (germline): Uncertain significance (1 of 4 stars; one submission).

Submission:

GeneDx
Classification: Uncertain significance. Last evaluated: 2019-11-05. Review status: criteria provided, single submitter. Criteria: GeneDx Variant Classification Process June 2021. Collection method: clinical testing. Allele origin: germline. Affected: yes.
Comment: Not observed in large population cohorts (Lek et al., 2016); In silico analysis, which includes protein predictors and evolutionary conservation, supports that this variant does not alter protein structure/function; Has not been previously published as pathogenic or benign to our knowledge